The following is an entry in ClinVar:

NM_001292063.2(OTOG):c.883G>A (p.Val295Met)

Gene: OTOG (otogelin; plus strand). Cytogenetic location: 11p15.1.
Variant type: single nucleotide variant.
Coding change: c.883G>A on transcript NM_001292063.2 (MANE Select); coding-DNA position 883, G replaced by A.
Protein change: p.Val295Met; replaces valine 295 with methionine.
Molecular consequence: missense variant.
Genome position (GRCh38, 1-based): chr11:17,558,202, G>A. VCF-style: chr11-17558202-G-A. GRCh37 (hg19) VCF-style: chr11-17579749-G-A.
Other names: c.919G>A, p.Val307Met (NM_001277269.2); short protein forms V307M, V295M.
Identifiers: ClinVar variation 450925 (VCV000450925.13), dbSNP rs186310325, ClinGen allele CA5905413.

ClinVar aggregate classification (germline): Conflicting classifications of pathogenicity. Review status: criteria provided, conflicting classifications (1 of 4 stars). 4 submissions from 4 submitters: Uncertain significance (2); Likely benign (2). Last evaluated 2025-09-08.

Conditions:
OTOG-related disorder. Also called: OTOG-related condition.

Allele frequency attached by ClinVar (database versions not stated): gnomAD 0.00013; TOPMed 0.00015; gnomAD exomes 0.00019 and 0.00034; 1000 Genomes Project 30x 0.00031; 1000 Genomes Project 0.00040; ExAC 0.00055.

Submissions (4):

Labcorp Genetics (formerly Invitae), Labcorp
Classification: Likely benign. Last evaluated: 2025-09-08. Review status: criteria provided, single submitter. Criteria: Invitae Variant Classification Sherloc (09022015). Collection method: clinical testing. Allele origin: germline.

PreventionGenetics, part of Exact Sciences
Classification: Likely benign for OTOG-related condition. Last evaluated: 2024-10-26. Review status: criteria provided, single submitter. Criteria: ACMG Guidelines, 2015. Collection method: clinical testing. Allele origin: germline.
Comment: This variant is classified as likely benign based on ACMG/AMP sequence variant interpretation guidelines (Richards et al. 2015 PMID: 25741868, with internal and published modifications).

Blueprint Genetics
Classification: Uncertain significance. Last evaluated: 2024-09-05. Review status: criteria provided, single submitter. Criteria: ACMG Guidelines, 2015. Collection method: clinical testing. Allele origin: germline.

GeneDx
Classification: Uncertain significance. Last evaluated: 2020-05-11. Review status: criteria provided, single submitter. Criteria: GeneDx Variant Classification Process June 2021. Collection method: clinical testing. Allele origin: germline. Affected: yes.
Comment: In silico analysis supports that this missense variant does not alter protein structure/function; Has not been previously published as pathogenic or benign to our knowledge